The following is an entry in ClinVar:

NM_005267.5(GJA8):c.20T>C (p.Leu7Pro)

Gene: GJA8 (gap junction protein alpha 8; plus strand). Cytogenetic location: 1q21.2.
Variant type: single nucleotide variant.
Coding change: c.20T>C on transcript NM_005267.5 (MANE Select); coding-DNA position 20, T replaced by C.
Protein change: p.Leu7Pro; replaces leucine 7 with proline.
Molecular consequence: missense variant.
Genome position (GRCh38, 1-based): chr1:147,907,975, T>C. VCF-style: chr1-147907975-T-C. GRCh37 (hg19) VCF-style: chr1-147380102-T-C.
Other names: short protein forms L7P.
Identifiers: ClinVar variation 2733979 (VCV002733979.4), dbSNP rs2524888276, ClinGen allele CA342222782.

ClinVar aggregate classification (germline): Conflicting classifications of pathogenicity. Review status: criteria provided, conflicting classifications (1 of 4 stars). 2 submissions from 2 submitters: Pathogenic (1); Uncertain significance (1). Last evaluated 2023-09-05.

Conditions:
Cataract 1 multiple types. Also called: CATARACT, DUFFY-LINKED; CATARACT 1, MULTIPLE TYPES, WITH OR WITHOUT MICROCORNEA; CATARACT 1, NUCLEAR PROGRESSIVE; CATARACT 1 WITH MICROCORNEA; CATARACT 1, POSTERIOR SUBCAPSULAR, WITH MICROCORNEA; CATARACT 1, STELLATE NUCLEAR, WITH MICROCORNEA. Identifiers: Orphanet 1377, MedGen C1861828, MONDO:0007285, OMIM 116200.

Submissions (2):

Labcorp Genetics (formerly Invitae), Labcorp
Classification: Pathogenic for Cataract 1 multiple types. Last evaluated: 2023-09-05. Review status: criteria provided, single submitter. Criteria: Invitae Variant Classification Sherloc (09022015). Collection method: clinical testing. Allele origin: germline.
Comment: For these reasons, this variant has been classified as Pathogenic. Advanced modeling of protein sequence and biophysical properties (such as structural, functional, and spatial information, amino acid conservation, physicochemical variation, residue mobility, and thermodynamic stability) performed at Invitae indicates that this missense variant is expected to disrupt GJA8 protein function. This missense change has been observed in individuals with autosomal dominant congenital cataracts (PMID: 25403472, 33816482; Invitae). It has also been observed to segregate with disease in related individuals. This variant is not present in population databases (gnomAD no frequency). This sequence change replaces leucine, which is neutral and non-polar, with proline, which is neutral and non-polar, at codon 7 of the GJA8 protein (p.Leu7Pro).

Dept. Genetics and Cancer, Menzies Institute for Medical Research, University of Tasmania
Classification: Uncertain significance for Cataract 1 multiple types. Last evaluated: 2023-01-21. Review status: criteria provided, single submitter. Criteria: ACMG Guidelines, 2015. Collection method: curation. Allele origin: germline. Affected: yes.
Comment: Variant identified and curated during a GJA8 specific review of the literature in relation to pediatric or congenital cataract. ACMG-AMP criteria applied: PS4(Supporting), PM1(Supporting), PM2(Supporting), PP1, PP3. Original variant report: PMID:25403472;29770612. Gene review and curation guidelines are outlined in: DOI 10.1080/17469899.2023.2160320

Literature cited by the submitters: PubMed 25403472 (cited by Labcorp Genetics (formerly Invitae), Labcorp and Dept. Genetics and Cancer, Menzies Institute for Medical Research, University of Tasmania); PubMed 33816482 (cited by Labcorp Genetics (formerly Invitae), Labcorp); PubMed 29770612 (cited by Dept. Genetics and Cancer, Menzies Institute for Medical Research, University of Tasmania).